The following is an entry in ClinVar:

NM_001429.4(EP300):c.5981C>T (p.Pro1994Leu)

Gene: EP300 (E1A binding protein p300; plus strand). Cytogenetic location: 22q13.2.
Variant type: single nucleotide variant.
Coding change: c.5981C>T on transcript NM_001429.4 (MANE Select); coding-DNA position 5981, C replaced by T.
Protein change: p.Pro1994Leu; replaces proline 1994 with leucine.
Molecular consequence: missense variant.
Genome position (GRCh38, 1-based): chr22:41,177,692, C>T. VCF-style: chr22-41177692-C-T. GRCh37 (hg19) VCF-style: chr22-41573696-C-T.
Other names: c.5903C>T, p.Pro1968Leu (NM_001362843.2); short protein forms P1968L, P1994L.
Identifiers: ClinVar variation 3349403 (VCV003349403.1).

ClinVar aggregate classification (germline): Uncertain significance (0 of 4 stars; one submission).

Conditions:
EP300-related disorder. Also called: EP300-related condition; EP300-related disorders.

gnomAD v4.1: 1 of 1,613,774 alleles (0.000062%); highest among the groups gnomAD compares: Non-Finnish European, 0.000085%; no homozygotes.

Submission:

PreventionGenetics, part of Exact Sciences
Classification: Uncertain significance for EP300-related condition. Last evaluated: 2023-12-05. Review status: no assertion criteria provided. Collection method: clinical testing. Allele origin: germline.
Comment: The EP300 c.5981C>T variant is predicted to result in the amino acid substitution p.Pro1994Leu. To our knowledge, this variant has not been reported in the literature or in a large population database, indicating this variant is rare. At this time, the clinical significance of this variant is uncertain due to the absence of conclusive functional and genetic evidence.